The following is an entry in ClinVar:

ClinVar aggregate classification (germline): Pathogenic. Review status: criteria provided, multiple submitters, no conflicts (2 of 4 stars). 6 submissions from 6 submitters: Pathogenic (5). 1 of the submissions does not count toward it. Last evaluated 2026-01-09.

Conditions:
Tay-Sachs disease (TSD). Also called: GM2 gangliosidosis, type 1; Hexosaminidase alpha-subunit deficiency (variant B); Sphingolipidosis, Tay-Sachs; HEXA Disorders; HEXA DEFICIENCY; Hexosaminidase A Deficiency. Identifiers: Orphanet 845, MedGen C0039373, MONDO:0010100, OMIM 272800.

Allele frequency attached by ClinVar (database versions not stated): TOPMed 0.00001.
gnomAD v4.1: 1 of 1,614,114 alleles (0.000062%); highest among the groups gnomAD compares: East Asian, 0.0022%; no homozygotes.

Submissions (6):

Labcorp Genetics (formerly Invitae), Labcorp
Classification: Pathogenic for Tay-Sachs disease. Last evaluated: 2026-01-09. Review status: criteria provided, single submitter. Criteria: Invitae Variant Classification Sherloc (09022015). Collection method: clinical testing. Allele origin: germline.
Comment: This sequence change creates a premature translational stop signal (p.Gln390*) in the HEXA gene. It is expected to result in an absent or disrupted protein product. Loss-of-function variants in HEXA are known to be pathogenic (PMID: 1833974, 8490625). This variant is not present in population databases (gnomAD no frequency). This variant has not been reported in the literature in individuals affected with HEXA-related conditions. ClinVar contains an entry for this variant (Variation ID: 551737). For these reasons, this variant has been classified as Pathogenic.

Natera, Inc.
Classification: Pathogenic for Tay-Sachs disease. Last evaluated: 2025-12-22. Review status: criteria provided, single submitter. Criteria: Natera Variant Classification Schema (03/2026). Collection method: clinical testing. Allele origin: germline.
Comment: The c.1168C>T variant in HEXA is a nonsense variant predicted to introduce a stop codon at amino acid 390. This variant is expected to result in nonsense mediated decay, truncation, or a dysfunctional protein product. This variant is rare in the general population with a frequency below the threshold expected for the associated phenotype(s). This variant has been observed in one or more individuals affected with the associated recessive disease, as either homozygous or compound heterozygous with a second variant (PMID: 37645600). Given the available evidence, this variant is classified as Pathogenic.

GeneDx
Classification: Pathogenic. Last evaluated: 2024-05-03. Review status: criteria provided, single submitter. Criteria: GeneDx Variant Classification Process June 2021. Collection method: clinical testing. Allele origin: germline.
Comment: Nonsense variant predicted to result in protein truncation or nonsense mediated decay in a gene for which loss of function is a known mechanism of disease; Not observed at significant frequency in large population cohorts (gnomAD); This variant is associated with the following publications: (PMID: 25525159, 1833974, 9150157, 8490625, 33811753)

ARUP Laboratories, Molecular Genetics and Genomics, ARUP Laboratories
Classification: Pathogenic. Last evaluated: 2018-11-15. Review status: criteria provided, single submitter. Criteria: ARUP Molecular Germline Variant Investigation Process. Collection method: clinical testing. Allele origin: germline.
Comment: The HEXA c.1168C>T; p.Gln390Ter variant is reported in the literature in an obligate carrier of Tay-Sachs disease (Akerman 1997) and is reported as likely pathogenic by a single laboratory in ClinVar (Variation ID: 551737). This variant is absent from general population databases (Exome Variant Server, Genome Aggregation Database), indicating it is not a common polymorphism. This variant induces an early termination codon and is predicted to result in a truncated protein or mRNA subject to nonsense-mediated decay. Further, numerous truncating variants downstream of this variant have been observed in individuals with Tay-Sachs disease and are considered pathogenic (Montalvo 2005, Zampieri 2012). Based on available information, the p.Gln390Ter variant is considered to be pathogenic. References: Akerman BR et al. Novel mutations and DNA-based screening in non-Jewish carriers of Tay-Sachs disease. Am J Hum Genet. 1997 May;60(5):1099-106. Montalvo AL et al. Molecular analysis of the HEXA gene in Italian patients with infantile and late onset Tay-Sachs disease: detection of fourteen novel alleles. Hum Mutat. 2005 Sep;26(3):282. Zampieri S et al. Molecular analysis of HEXA gene in Argentinean patients affected with Tay-Sachs disease: possible common origin of the prevalent c.459+5A>G mutation. Gene. 2012 May 15;499(2):262-5.

Women's Health and Genetics/Laboratory Corporation of America, LabCorp
Classification: Pathogenic for Tay-Sachs disease. Last evaluated: 2018-05-03. Review status: criteria provided, single submitter. Criteria: LabCorp Variant Classification Summary - May 2015. Collection method: clinical testing. Allele origin: germline.
Comment: Variant summary: HEXA c.1168C>T (p.Gln390X) results in a premature termination codon, predicted to cause a truncation of the encoded protein or absence of the protein due to nonsense mediated decay, which are commonly known mechanisms for disease. Truncations downstream of this position have been classified as pathogenic by our laboratory (eg. c.1274_1277dupTATC (p.Tyr427fsX5) and c.1528C>T (p.Arg510X)). The variant, c.1168C>T, has been reported in the literature in an individual affected with Tay-Sachs Disease presenting with no hexosaminidase A activity (Jin_2004). This data indicates that the variant may be associated with disease. No clinical diagnostic laboratories have submitted clinical-significance assessments for this variant to ClinVar after 2014. Based on the evidence outlined above, the variant was classified as pathogenic.

Counsyl
Classification: Likely pathogenic for Tay-Sachs disease. Last evaluated: 2017-05-05. Review status: no assertion criteria provided. Collection method: clinical testing. Allele origin: unknown. Not counted in ClinVar's aggregate classification.

Literature cited by the submitters: PubMed 1833974 (cited by Labcorp Genetics (formerly Invitae), Labcorp); PubMed 8490625 (cited by Labcorp Genetics (formerly Invitae), Labcorp); PubMed 37645600 (cited by Natera, Inc.); PubMed 9150157 (cited by Women's Health and Genetics/Laboratory Corporation of America, LabCorp).

NM_000520.6(HEXA):c.1168C>T (p.Gln390Ter)

Gene: HEXA (hexosaminidase subunit alpha; minus strand). Cytogenetic location: 15q23.
Variant type: single nucleotide variant.
Coding change: c.1168C>T on transcript NM_000520.6 (MANE Select); coding-DNA position 1168, C replaced by T.
Protein change: p.Gln390Ter; replaces glutamine 390 with a stop codon.
Molecular consequence: nonsense.
Genome position (GRCh38, 1-based): chr15:72,346,689, G>A on the plus strand (C>T on the coding strand, the complement: HEXA is on the minus strand). VCF-style: chr15-72346689-G-A. GRCh37 (hg19) VCF-style: chr15-72639030-G-A.
Other names: c.1201C>T, p.Gln401Ter (NM_001318825.2); c.1168C>T (NM_000520.5); short protein forms Q390*, Q401*.
Identifiers: ClinVar variation 551737 (VCV000551737.24), dbSNP rs988192535, ClinGen allele CA393061376.
Genomic context (GRCh38, chr15:72,346,689, plus strand): 5'-CCTTGGTGACCAGTTCCAGCTCCTTCATATAGTTCACTGGAATATCCTCTCGCCACACCT[G>A]TATGATTGTGTCTGGCTGAATCTGTTATAAAAGGTCAAATGGCAGTAAGGACACAAAGCT-3'